The following is an entry in ClinVar:

NM_000059.4(BRCA2):c.9075A>G (p.Ile3025Met)

Gene: BRCA2 (BRCA2 DNA repair associated; plus strand). Cytogenetic location: 13q13.1.
Variant type: single nucleotide variant.
Coding change: c.9075A>G on transcript NM_000059.4 (MANE Select); coding-DNA position 9075, A replaced by G.
Protein change: p.Ile3025Met; replaces isoleucine 3025 with methionine.
Molecular consequence: missense variant. On other transcripts: non-coding transcript variant (1).
Genome position (GRCh38, 1-based): chr13:32,379,871, A>G. VCF-style: chr13-32379871-A-G. GRCh37 (hg19) VCF-style: chr13-32954008-A-G.
Other names: c.8979A>G, p.Ile2993Met (NM_001406719.1); c.9024A>G, p.Ile3008Met (NM_001406720.1); c.4143A>G, p.Ile1381Met (NM_001406721.1); c.2658A>G, p.Ile886Met (NM_001406722.1); short protein forms I1381M, I3025M, I2993M, I3008M, I886M.
Identifiers: ClinVar variation 2702782 (VCV002702782.3), dbSNP rs2137623356, ClinGen allele CA387757594.

ClinVar aggregate classification (germline): Uncertain significance (1 of 4 stars; one submission).

Conditions:
Hereditary breast ovarian cancer syndrome. Also called: Hereditary breast and/or ovarian cancer syndrome; Hereditary breast and ovarian cancer syndrome (HBOC); Breast and ovarian cancer; Hereditary breast and ovarian cancer syndrome; Hereditary breast and ovarian cancer; BRCA1- and BRCA2-Associated Hereditary Breast and Ovarian Cancer. Identifiers: Orphanet 145, MedGen C0677776, MeSH D061325, MONDO:0003582. Disease mechanism: loss of function.

Allele frequency attached by ClinVar (database versions not stated): gnomAD exomes below 0.00001.
gnomAD v4.1: 1 of 1,613,626 alleles (0.000062%); highest among the groups gnomAD compares: Non-Finnish European, 0.000085%; no homozygotes.

Submission:

Labcorp Genetics (formerly Invitae), Labcorp
Classification: Uncertain significance for Hereditary breast ovarian cancer syndrome. Last evaluated: 2023-12-13. Review status: criteria provided, single submitter. Criteria: Invitae Variant Classification Sherloc (09022015). Collection method: clinical testing. Allele origin: germline.
Comment: This sequence change replaces isoleucine, which is neutral and non-polar, with methionine, which is neutral and non-polar, at codon 3025 of the BRCA2 protein (p.Ile3025Met). This variant is not present in population databases (gnomAD no frequency). This variant has not been reported in the literature in individuals affected with BRCA2-related conditions. Advanced modeling of protein sequence and biophysical properties (such as structural, functional, and spatial information, amino acid conservation, physicochemical variation, residue mobility, and thermodynamic stability) performed at Invitae indicates that this missense variant is not expected to disrupt BRCA2 protein function with a negative predictive value of 95%. In summary, the available evidence is currently insufficient to determine the role of this variant in disease. Therefore, it has been classified as a Variant of Uncertain Significance.